The following is an entry in ClinVar:

NM_001379500.1(COL18A1):c.3146G>C (p.Gly1049Ala)

Genes: SLC19A1 (solute carrier family 19 member 1; minus strand), COL18A1 (collagen type XVIII alpha 1 chain; plus strand). Cytogenetic location: 21q22.3.
Variant type: single nucleotide variant.
Coding change: c.3146G>C on transcript NM_001379500.1 (MANE Select); coding-DNA position 3146, G replaced by C.
Protein change: p.Gly1049Ala; replaces glycine 1049 with alanine.
Molecular consequence: missense variant.
Genome position (GRCh38, 1-based): chr21:45,505,896, G>C. VCF-style: chr21-45505896-G-C. GRCh37 (hg19) VCF-style: chr21-46925810-G-C.
Other names: c.3677G>C, p.Gly1226Ala (NM_030582.4); c.4382G>C, p.Gly1461Ala (NM_130444.3); short protein forms G1049A, G1226A, G1461A.
Identifiers: ClinVar variation 1713727 (VCV001713727.6), dbSNP rs2037174703, ClinGen allele CA410499942.

ClinVar aggregate classification (germline): Uncertain significance (1 of 4 stars; one submission).

Submission:

Labcorp Genetics (formerly Invitae), Labcorp
Classification: Uncertain significance. Last evaluated: 2022-07-15. Review status: criteria provided, single submitter. Criteria: Invitae Variant Classification Sherloc (09022015). Collection method: clinical testing. Allele origin: germline.
Comment: This variant is not present in population databases (gnomAD no frequency). In summary, the available evidence is currently insufficient to determine the role of this variant in disease. Therefore, it has been classified as a Variant of Uncertain Significance. Experimental studies and prediction algorithms are not available or were not evaluated, and the functional significance of this variant is currently unknown. This variant has not been reported in the literature in individuals affected with COL18A1-related conditions. This sequence change replaces glycine, which is neutral and non-polar, with alanine, which is neutral and non-polar, at codon 1046 of the COL18A1 protein (p.Gly1046Ala).